The following is an entry in ClinVar:

NM_014314.4(RIGI):c.2014+78T>C

Gene: RIGI (RNA sensor RIG-I; minus strand). Cytogenetic location: 9p21.1.
Variant type: single nucleotide variant.
Coding change: c.2014+78T>C on transcript NM_014314.4 (MANE Select); 78 bases into the intron after coding-DNA position 2014, T replaced by C.
Molecular consequence: intron variant.
Genome position (GRCh38, 1-based): chr9:32,472,897, A>G on the plus strand (T>C on the coding strand, the complement: RIGI is on the minus strand). VCF-style: chr9-32472897-A-G. GRCh37 (hg19) VCF-style: chr9-32472895-A-G.
Other names: c.1405+78T>C (NM_001385912.1); c.1999+78T>C (NM_001385913.1); c.2008+78T>C (NM_001385907.1); c.2014+78T>C (NM_001385909.1); c.1570+78T>C (NM_001385914.1); c.1573+78T>C (NM_001385910.1).
Identifiers: ClinVar variation 2688470 (VCV002688470.2), dbSNP rs10813823, ClinGen allele CA192366299.

ClinVar aggregate classification (germline): Benign (1 of 4 stars; one submission).

Allele frequency attached by ClinVar (database versions not stated): gnomAD 0.33311; TOPMed 0.33549; 1000 Genomes Project 30x 0.38929; 1000 Genomes Project 0.39876.
gnomAD v4.1: 239,068 of 732,540 alleles (33%); highest among the groups gnomAD compares: East Asian, 75%; 43,159 homozygotes.

Submission:

Unidad de Genómica Garrahan, Hospital de Pediatría Garrahan
Classification: Benign. Last evaluated: 2024-01-24. Review status: criteria provided, single submitter. Criteria: ACMG Guidelines, 2015. Collection method: clinical testing. Allele origin: germline. Affected: no. Observed: 24 variant alleles.
Comment: This variant is classified as Benign based on local population frequency. This variant was detected in 27% of patients studied by a panel of primary immunodeficiencies. Number of patients: 24. Only high quality variants are reported.